The following is an entry in ClinVar:

ClinVar aggregate classification (germline): Uncertain significance (1 of 4 stars; one submission).

Submission:

Ambry Genetics
Classification: Uncertain significance. Last evaluated: 2023-11-03. Review status: criteria provided, single submitter. Criteria: Ambry Variant Classification Scheme 2023. Collection method: clinical testing. Allele origin: germline.
Comment: The p.A217S variant (also known as c.649G>T), located in coding exon 5 of the RECQL gene, results from a G to T substitution at nucleotide position 649. The alanine at codon 217 is replaced by serine, an amino acid with similar properties. This amino acid position is conserved. In addition, the in silico prediction for this alteration is inconclusive. Since supporting evidence is limited at this time, the clinical significance of this alteration remains unclear.

NM_002907.4(RECQL):c.649G>T (p.Ala217Ser)

Gene: RECQL (RecQ like helicase; minus strand). Cytogenetic location: 12p12.1.
Variant type: single nucleotide variant.
Coding change: c.649G>T on transcript NM_002907.4 (MANE Select); coding-DNA position 649, G replaced by T.
Protein change: p.Ala217Ser; replaces alanine 217 with serine.
Molecular consequence: missense variant.
Genome position (GRCh38, 1-based): chr12:21,483,427, C>A on the plus strand (G>T on the coding strand, the complement: RECQL is on the minus strand). VCF-style: chr12-21483427-C-A. GRCh37 (hg19) VCF-style: chr12-21636361-C-A.
Other names: c.649G>T, p.Ala217Ser (NM_032941.3); short protein forms A217S.
Identifiers: ClinVar variation 3222982 (VCV003222982.1), dbSNP rs2137373865, ClinGen allele CA384126926.